The following is an entry in ClinVar:

ClinVar aggregate classification (germline): Uncertain significance (1 of 4 stars; one submission).

Allele frequency attached by ClinVar (database versions not stated): gnomAD exomes below 0.00001.
gnomAD v4.1: 1 of 1,614,160 alleles (0.000062%); highest among the groups gnomAD compares: Non-Finnish European, 0.000085%; no homozygotes.

Submission:

GeneDx
Classification: Uncertain significance. Last evaluated: 2022-11-25. Review status: criteria provided, single submitter. Criteria: GeneDx Variant Classification Process June 2021. Collection method: clinical testing. Allele origin: germline. Affected: yes.
Comment: Not observed at significant frequency in large population cohorts (gnomAD); In silico analysis supports that this missense variant has a deleterious effect on protein structure/function; Has not been previously published as pathogenic or benign to our knowledge

NM_001273.5(CHD4):c.1595C>G (p.Pro532Arg)

Gene: CHD4 (chromodomain helicase DNA binding protein 4; minus strand). Cytogenetic location: 12p13.31.
Variant type: single nucleotide variant.
Coding change: c.1595C>G on transcript NM_001273.5 (MANE Select); coding-DNA position 1595, C replaced by G.
Protein change: p.Pro532Arg; replaces proline 532 with arginine.
Molecular consequence: missense variant.
Genome position (GRCh38, 1-based): chr12:6,598,313, G>C on the plus strand (C>G on the coding strand, the complement: CHD4 is on the minus strand). VCF-style: chr12-6598313-G-C. GRCh37 (hg19) VCF-style: chr12-6707479-G-C.
Other names: c.1574C>G, p.Pro525Arg (NM_001297553.2); c.1556C>G, p.Pro519Arg (NM_001363606.2); short protein forms P519R, P525R, P532R.
Identifiers: ClinVar variation 2503382 (VCV002503382.1), dbSNP rs2540407848, ClinGen allele CA383598758.
Genomic context (GRCh38, chr12:6,598,313, plus strand): 5'-TAAGACATGCCTTGCCATTTCACAAAGAACTGCCGCTCTGGCCGCCCCTCCAAGGGCTTT[G>C]GGGAGGGCGTGTTGGGATCAGCATCTGGAGGCCGAGGCACTGGTGTGGGAGATGGTGGCT-3'
Protein context (NP_001264.2, residues 522-542): PPDADPNTPS[Pro532Arg]KPLEGRPERQ